The following is an entry in ClinVar:

NM_001943.5(DSG2):c.182del (p.Gly61fs)

Gene: DSG2 (desmoglein 2; plus strand). Cytogenetic location: 18q12.1.
Variant type: Deletion.
Coding change: c.182del on transcript NM_001943.5 (MANE Select); coding-DNA position 182, one base deleted (G; older notation c.182delG).
Protein change: p.Gly61fs; shifts the reading frame from glycine 61.
Molecular consequence: frameshift variant.
Genome position (GRCh38, 1-based): chr18:31,519,903, G deleted; the last of 3 consecutive G bases (chr18:31,519,901-31,519,903); deleting any one gives the same sequence. VCF-style (leftmost placement, unchanged base first): chr18-31519900-AG-A. GRCh37 (hg19) VCF-style: chr18-29099863-AG-A.
Other names: short protein forms G61fs.
Identifiers: ClinVar variation 4880644 (VCV004880644.2).

ClinVar aggregate classification (germline): Likely pathogenic (1 of 4 stars; one submission).

Submission:

Dasa
Classification: Likely pathogenic. Last evaluated: 2026-04-14. Review status: criteria provided, single submitter. Criteria: DASA Assertion Criteria. Collection method: clinical testing. Allele origin: germline.
Comment: NM_001943.5(DSG2):c.182del (p.Gly61Glufs*51) is a frameshift variant in DSG2 predicted to alter the reading frame and introduce a premature termination codon and is predicted to result in an absent or altered protein product. Loss of function is an established disease mechanism for DSG2-associated disorders. Published studies describe this variant in association with related phenotype (PMID: 17105751; PMID: 31386562). Also, this variant is absent from population databases. Based on the currently available evidence, this variant is classified as likely pathogenic.

Literature cited by the submitters: PubMed 17105751; PubMed 31386562.